The following is an entry in ClinVar:

ClinVar aggregate classification (germline): Pathogenic (1 of 4 stars; one submission).

Conditions:
Baller-Gerold syndrome (BGS). Also called: CRANIOSYNOSTOSIS WITH RADIAL DEFECTS. Identifiers: Orphanet 1225, MedGen C0265308, MONDO:0009039, OMIM 218600.

Submission:

Labcorp Genetics (formerly Invitae), Labcorp
Classification: Pathogenic for Baller-Gerold syndrome. Last evaluated: 2023-01-04. Review status: criteria provided, single submitter. Criteria: Invitae Variant Classification Sherloc (09022015). Collection method: clinical testing. Allele origin: germline.
Comment: This sequence change creates a premature translational stop signal (p.His478Thrfs*80) in the RECQL4 gene. It is expected to result in an absent or disrupted protein product. Loss-of-function variants in RECQL4 are known to be pathogenic (PMID: 12734318, 12952869). This variant is not present in population databases (gnomAD no frequency). This variant has not been reported in the literature in individuals affected with RECQL4-related conditions. For these reasons, this variant has been classified as Pathogenic.

Literature cited by the submitters: PubMed 12734318; PubMed 12952869.

NM_004260.4(RECQL4):c.1431del (p.His478fs)

Gene: RECQL4 (RecQ like helicase 4; minus strand). Cytogenetic location: 8q24.3.
Variant type: Deletion.
Coding change: c.1431del on transcript NM_004260.4 (MANE Select); coding-DNA position 1431, one base deleted (G; older notation c.1431delG).
Protein change: p.His478fs; shifts the reading frame from histidine 478.
Molecular consequence: frameshift variant.
Genome position (GRCh38, 1-based): chr8:144,515,202, C deleted on the plus strand (G on the coding strand, the reverse complement: RECQL4 is on the minus strand); the first of 4 consecutive C bases (chr8:144,515,202-144,515,205); deleting any one gives the same sequence. VCF-style (leftmost placement, unchanged base first): chr8-144515201-GC-G. GRCh37 (hg19) VCF-style: chr8-145740585-GC-G.
Other names: c.1332delG, p.His446Thrfs (NM_001413017.1, NM_001413020.1); c.1428delG, p.His478Thrfs (NM_001413018.1, NM_001413019.1, NM_001413033.1 and 2 more transcripts); c.357delG, p.His121Thrfs (NM_001413021.1, NM_001413022.1, NM_001413023.1 and 8 more transcripts); c.1299delG, p.His435Thrfs (NM_001413025.1); c.291delG, p.His99Thrfs (NM_001413027.1, NM_001413030.1, NM_001413031.1 and 2 more transcripts); c.1077delG, p.His361Thrfs (NM_001413029.1); c.-40delG (NM_001413043.1); short protein forms H478fs.
Identifiers: ClinVar variation 2029920 (VCV002029920.4), dbSNP rs2538059787, ClinGen allele CA2580078812.